The following is an entry in ClinVar:

NM_001367721.1(CASK):c.533-99_533-84del

Gene: CASK (calcium/calmodulin dependent serine protein kinase; minus strand). Cytogenetic location: Xp11.4.
Variant type: Deletion.
Coding change: c.533-99_533-84del on transcript NM_001367721.1 (MANE Select); 99 bases into the intron before coding-DNA position 533 through 84 bases into the intron before coding-DNA position 533, 16 bases deleted (AACTTTTTATTTGGAT).
Molecular consequence: intron variant.
Genome position (GRCh38, 1-based): chrX:41,665,536-41,665,551, ATCCAAATAAAAAGTT deleted on the plus strand (AACTTTTTATTTGGAT on the coding strand, the reverse complement: CASK is on the minus strand). VCF-style (leftmost placement, unchanged base first): chrX-41665535-AATCCAAATAAAAAGTT-A. GRCh37 (hg19) VCF-style: chrX-41524788-AATCCAAATAAAAAGTT-A.
Other names: c.533-99_533-84del16 (NM_003688.3); c.533-99_533-84del (NM_001126055.3, NM_001410745.1, NM_001126054.3 and 1 more transcripts).
Identifiers: ClinVar variation 670442 (VCV000670442.3), dbSNP rs200400188, ClinGen allele CA329245108.

ClinVar aggregate classification (germline): Benign. Review status: criteria provided, multiple submitters, no conflicts (2 of 4 stars). 2 submissions from 2 submitters: Benign (2). Last evaluated 2024-07-15.

Allele frequency attached by ClinVar (database versions not stated): gnomAD 0.37651 and 0.38944; gnomAD exomes 0.38715; TOPMed 0.42130; 1000 Genomes Project 30x 0.55380; 1000 Genomes Project 0.55417.

Submissions (2):

Unidad de Genómica Garrahan, Hospital de Pediatría Garrahan
Classification: Benign. Last evaluated: 2024-07-15. Review status: criteria provided, single submitter. Criteria: ACMG Guidelines, 2015. Collection method: clinical testing. Allele origin: germline. Affected: no. Observed: 24 variant alleles.
Comment: This variant is classified as Benign based on local population frequency. This variant was detected in 26% of patients studied in a panel designed for Epileptic and Developmental Encephalopathy and Progressive Myoclonus Epilepsy. Number of patients: 24. Only high quality variants are reported.

GeneDx
Classification: Benign. Last evaluated: 2018-06-14. Review status: criteria provided, single submitter. Criteria: GeneDx Variant Classification (06012015). Collection method: clinical testing. Allele origin: germline. Affected: yes.
Comment: This variant is considered likely benign or benign based on one or more of the following criteria: it is a conservative change, it occurs at a poorly conserved position in the protein, it is predicted to be benign by multiple in silico algorithms, and/or has population frequency not consistent with disease.